The following is an entry in ClinVar:

ClinVar aggregate classification (germline): Pathogenic/Likely pathogenic. Review status: criteria provided, multiple submitters, no conflicts (2 of 4 stars). 2 submissions from 2 submitters: Pathogenic (1); Likely pathogenic (1). Last evaluated 2023-02-11.

Conditions:
ADGRV1-related disorder. Also called: ADGRV1-related condition; ADGRV1-related disorders.

Allele frequency attached by ClinVar (database versions not stated): TOPMed below 0.00001.

Submissions (2):

Labcorp Genetics (formerly Invitae), Labcorp
Classification: Pathogenic. Last evaluated: 2023-02-11. Review status: criteria provided, single submitter. Criteria: Invitae Variant Classification Sherloc (09022015). Collection method: clinical testing. Allele origin: germline.
Comment: For these reasons, this variant has been classified as Pathogenic. This variant has not been reported in the literature in individuals affected with ADGRV1-related conditions. This variant is not present in population databases (gnomAD no frequency). This sequence change creates a premature translational stop signal (p.Ala1468Valfs*7) in the ADGRV1 gene. It is expected to result in an absent or disrupted protein product. Loss-of-function variants in ADGRV1 are known to be pathogenic (PMID: 19357117, 22135276, 22147658, 26226137, 30718709, 31047384, 32467589).

Blueprint Genetics
Classification: Likely pathogenic for ADGRV1-related disorders. Last evaluated: 2021-06-07. Review status: criteria provided, single submitter. Criteria: ACMG Guidelines, 2015. Collection method: clinical testing. Allele origin: germline. Affected: yes. Observed: 1 variant allele.

Literature cited by the submitters: PubMed 19357117 (cited by Labcorp Genetics (formerly Invitae), Labcorp); PubMed 22135276 (cited by Labcorp Genetics (formerly Invitae), Labcorp); PubMed 22147658 (cited by Labcorp Genetics (formerly Invitae), Labcorp); PubMed 26226137 (cited by Labcorp Genetics (formerly Invitae), Labcorp); PubMed 30718709 (cited by Labcorp Genetics (formerly Invitae), Labcorp); PubMed 31047384 (cited by Labcorp Genetics (formerly Invitae), Labcorp); PubMed 32467589 (cited by Labcorp Genetics (formerly Invitae), Labcorp).

NM_032119.4(ADGRV1):c.4403_4418del (p.Ala1468fs)

Gene: ADGRV1 (adhesion G protein-coupled receptor V1; plus strand). Cytogenetic location: 5q14.3.
Variant type: Deletion.
Coding change: c.4403_4418del on transcript NM_032119.4 (MANE Select); coding-DNA positions 4403 to 4418, 16 bases deleted (CAGGGATAAATGGCAA).
Protein change: p.Ala1468fs; shifts the reading frame from alanine 1468.
Molecular consequence: frameshift variant. On other transcripts: non-coding transcript variant (1).
Genome position (GRCh38, 1-based): chr5:90,657,929-90,657,944, CAGGGATAAATGGCAA deleted. VCF-style (leftmost placement, unchanged base first): chr5-90657928-GCAGGGATAAATGGCAA-G. GRCh37 (hg19) VCF-style: chr5-89953745-GCAGGGATAAATGGCAA-G.
Other names: short protein forms A1468fs.
Identifiers: ClinVar variation 2836202 (VCV002836202.4), dbSNP rs1769657526, ClinGen allele CA1562842855.